The following is an entry in ClinVar:

ClinVar aggregate classification (germline): Likely pathogenic (1 of 4 stars; one submission).

Conditions:
Primary ciliary dyskinesia. Also called: Ciliary dyskinesia. Identifiers: Orphanet 244, MedGen C0008780, MONDO:0016575, HP:0012265.

Submission:

Natera, Inc.
Classification: Likely pathogenic for Primary ciliary dyskinesia. Last evaluated: 2024-07-16. Review status: criteria provided, single submitter. Criteria: Natera Variant Classification Schema (03/2026). Collection method: clinical testing. Allele origin: germline.
Comment: The c.491del variant in DNAI2 is a frameshift variant predicted to shift the reading frame beginning at codon 164 and leads to a stop codon 31 codons downstream. This variant is expected to result in nonsense mediated decay, truncation, or a dysfunctional protein product. This variant is rare in the general population with a frequency below the threshold expected for the associated phenotype(s). Given the available evidence, this variant is classified as Likely Pathogenic.

NM_023036.6(DNAI2):c.491del (p.Ala164fs)

Gene: DNAI2 (dynein axonemal intermediate chain 2; plus strand). Cytogenetic location: 17q25.1.
Variant type: Deletion.
Coding change: c.491del on transcript NM_023036.6 (MANE Select); coding-DNA position 491, one base deleted (C; older notation c.491delC).
Protein change: p.Ala164fs; shifts the reading frame from alanine 164.
Molecular consequence: frameshift variant. On other transcripts: non-coding transcript variant (1).
Genome position (GRCh38, 1-based): chr17:74,289,617, C deleted. VCF-style (leftmost placement, unchanged base first): chr17-74289616-GC-G. GRCh37 (hg19) VCF-style: chr17-72285755-GC-G.
Other names: c.491del, p.Ala164fs (NM_001172810.3, NM_001353167.2); short protein forms A164fs.
Identifiers: ClinVar variation 4816118 (VCV004816118.1).